The following is an entry in ClinVar:

ClinVar aggregate classification (germline): Benign (1 of 4 stars; one submission).

Conditions:
Juvenile polyposis/hereditary hemorrhagic telangiectasia syndrome (JPHT). Also called: JP/HHT SYNDROME; JUVENILE POLYPOSIS WITH HEREDITARY HEMORRHAGIC TELANGIECTASIA; POLYPOSIS, GENERALIZED JUVENILE, WITH PULMONARY ARTERIOVENOUS MALFORMATION; TELANGIECTASIA, HEREDITARY HEMORRHAGIC, WITH JUVENILE POLYPOSIS COLI; Juvenile Polyposis Syndrome / Hereditary Hemorrhagic Telangiectasia (JPS/HHT). Identifiers: Orphanet 2929, MedGen C1832942, MONDO:0008278, OMIM 175050.

Submission:

Myriad Genetics, Inc.
Classification: Benign for Juvenile polyposis/hereditary hemorrhagic telangiectasia syndrome. Last evaluated: 2025-03-19. Review status: criteria provided, single submitter. Criteria: Myriad Autosomal Dominant, Autosomal Recessive and X-Linked Classification Criteria (2023). Collection method: clinical testing. Allele origin: unknown.
Comment: This variant is considered benign. This variant is a silent/synonymous amino acid change and it is not expected to impact splicing.

NM_005359.6(SMAD4):c.762T>C (p.Thr254=)

Gene: SMAD4 (SMAD family member 4; plus strand). Cytogenetic location: 18q21.2.
Variant type: single nucleotide variant.
Coding change: c.762T>C on transcript NM_005359.6 (MANE Select); coding-DNA position 762, T replaced by C.
Protein change: p.Thr254=; no amino-acid change (threonine 254 retained).
Molecular consequence: synonymous variant. On other transcripts: non-coding transcript variant (2).
Genome position (GRCh38, 1-based): chr18:51,058,219, T>C. VCF-style: chr18-51058219-T-C. GRCh37 (hg19) VCF-style: chr18-48584589-T-C.
Other names: c.762T>C, p.Thr254= (NM_001407041.1, NM_001407042.1, NM_001407043.1).
Identifiers: ClinVar variation 3903773 (VCV003903773.1).